The following is an entry in ClinVar:

ClinVar aggregate classification (germline): Uncertain significance (1 of 4 stars; one submission).

Conditions:
Cardiovascular phenotype. Identifiers: MedGen CN230736.

Submission:

Ambry Genetics
Classification: Uncertain significance for Cardiovascular phenotype. Last evaluated: 2026-07-02. Review status: criteria provided, single submitter. Criteria: Ambry Variant Classification Scheme 2023. Collection method: clinical testing. Allele origin: germline.
Comment: The p.K341N variant (also known as c.1023G>T), located in coding exon 6 of the LMNA gene, results from a G to T substitution at nucleotide position 1023. The lysine at codon 341 is replaced by asparagine, an amino acid with similar properties. This amino acid position is conserved. In addition, the in silico prediction for this alteration is inconclusive. Based on the available evidence, the clinical significance of this variant remains unclear.

NM_170707.4(LMNA):c.1023G>T (p.Lys341Asn)

Gene: LMNA (lamin A/C; plus strand). Cytogenetic location: 1q22.
Variant type: single nucleotide variant.
Coding change: c.1023G>T on transcript NM_170707.4 (MANE Select); coding-DNA position 1023, G replaced by T.
Protein change: p.Lys341Asn; replaces lysine 341 with asparagine.
Molecular consequence: missense variant.
Genome position (GRCh38, 1-based): chr1:156,135,987, G>T. VCF-style: chr1-156135987-G-T. GRCh37 (hg19) VCF-style: chr1-156105778-G-T.
Other names: c.780G>T, p.Lys260Asn (NM_001282624.2, NM_001406986.1, NM_001406987.1); c.1023G>T, p.Lys341Asn (NM_001282625.2, NM_001282626.2, NM_001406983.1 and 6 more transcripts); c.726G>T, p.Lys242Asn (NM_001406988.1); c.687G>T, p.Lys229Asn (NM_001406989.1, NM_001406998.1, NM_001257374.3); c.465G>T, p.Lys155Asn (NM_001406990.1, NM_001406993.1, NM_001406995.1 and 4 more transcripts); c.399G>T, p.Lys133Asn (NM_001406994.1, NM_001406999.1, NM_001407000.1 and 1 more transcripts); short protein forms K341N, K133N, K260N, K155N, K229N, K242N.
Identifiers: ClinVar variation 5023613 (VCV005023613.1).
Genomic context (GRCh38, chr1:156,135,987, plus strand): 5'-AGACCTGGAGGACTCACTGGCCCGTGAGCGGGACACCAGCCGGCGGCTGCTGGCGGAAAA[G>T]GAGCGGGAGATGGCCGAGATGCGGGCAAGGATGCAGCAGCAGCTGGACGAGTACCAGGAG-3'
Protein context (NP_733821.1, residues 331-351): RDTSRRLLAE[Lys341Asn]EREMAEMRAR